The following is an entry in ClinVar:

NM_000142.5(FGFR3):c.389C>T (p.Ser130Phe)

Gene: FGFR3 (fibroblast growth factor receptor 3; plus strand). Cytogenetic location: 4p16.3.
Variant type: single nucleotide variant.
Coding change: c.389C>T on transcript NM_000142.5 (MANE Select); coding-DNA position 389, C replaced by T.
Protein change: p.Ser130Phe; replaces serine 130 with phenylalanine.
Molecular consequence: missense variant. On other transcripts: non-coding transcript variant (1).
Genome position (GRCh38, 1-based): chr4:1,799,756, C>T. VCF-style: chr4-1799756-C-T. GRCh37 (hg19) VCF-style: chr4-1801483-C-T.
Other names: c.389C>T, p.Ser130Phe (NM_001163213.2, NM_001354809.2, NM_001354810.2 and 1 more transcripts); short protein forms S130F.
Identifiers: ClinVar variation 393122 (VCV000393122.3), dbSNP rs113172184, ClinGen allele CA2809806.

ClinVar aggregate classification (germline): Uncertain significance. Review status: criteria provided, multiple submitters, no conflicts (2 of 4 stars). 2 submissions from 2 submitters: Uncertain significance (2). Last evaluated 2024-04-15.

Allele frequency attached by ClinVar (database versions not stated): gnomAD exomes 0.00001; ExAC 0.00001; gnomAD 0.00003; TOPMed 0.00004.
gnomAD v4.1: 18 of 1,612,884 alleles (0.0011%); highest among the groups gnomAD compares: Middle Eastern, 0.033%; no homozygotes.

Submissions (2):

Women's Health and Genetics/Laboratory Corporation of America, LabCorp
Classification: Uncertain significance. Last evaluated: 2024-04-15. Review status: criteria provided, single submitter. Criteria: LabCorp Variant Classification Summary - May 2015. Collection method: clinical testing. Allele origin: germline.
Comment: Variant summary: FGFR3 c.389C>T (p.Ser130Phe) results in a non-conservative amino acid change in the encoded protein sequence. Three of five in-silico tools predict a damaging effect of the variant on protein function. The variant allele was found at a frequency of 1.2e-05 in 249762 control chromosomes (gnomAD). The available data on variant occurrences in the general population are insufficient to allow any conclusion about variant significance. To our knowledge, no occurrence of c.389C>T in individuals affected with Achondroplasia and no experimental evidence demonstrating its impact on protein function have been reported. ClinVar contains an entry for this variant (Variation ID: 393122). Based on the evidence outlined above, the variant was classified as uncertain significance.

GeneDx
Classification: Uncertain significance. Last evaluated: 2017-01-26. Review status: criteria provided, single submitter. Criteria: GeneDx Variant Classification (06012015). Collection method: clinical testing. Allele origin: germline. Affected: yes.
Comment: The S130F variant in the FGFR3 gene has not been reported previously as a pathogenic variant, nor as a benign variant, to our knowledge. The S130F variant was not observed in approximately 6,500 individuals of European and African American ancestry in the NHLBI Exome Sequencing Project, indicating it is not a common benign variant in these populations. The S130F variant is a non-conservative amino acid substitution, which is likely to impact secondary protein structure as these residues differ in polarity, charge, size and/or other properties. This substitution occurs at a position that is conserved across species. In silico analysis predicts this variant is probably damaging to the protein structure/function. We interpret S130F as a variant of uncertain significance.